The following is an entry in ClinVar:

NC_000021.8:g.(?_47423046)_(47429562_?)del

Gene: COL6A1 (collagen type VI alpha 1 chain; plus strand). Cytogenetic location: 21q22.3.
Variant type: Deletion.
Identifiers: ClinVar variation 2424260 (VCV002424260.6).

ClinVar aggregate classification (germline): Uncertain significance (1 of 4 stars; one submission).

Conditions:
Bethlem myopathy 1A. Also called: Bethlem Muscular Dystrophy; MYOPATHY, BENIGN CONGENITAL, WITH CONTRACTURES; Bethlem myopathy 1. Identifiers: Orphanet 610, MedGen CN029274, MONDO:0024530, OMIM 158810.

Submission:

Labcorp Genetics (formerly Invitae), Labcorp
Classification: Uncertain significance for Bethlem myopathy 1A. Last evaluated: 2022-04-01. Review status: criteria provided, single submitter. Criteria: Invitae Variant Classification Sherloc (09022015). Collection method: clinical testing. Allele origin: germline.
Comment: In summary, the available evidence is currently insufficient to determine the role of this variant in disease. Therefore, it has been classified as a Variant of Uncertain Significance. This variant has not been reported in the literature in individuals affected with COL6A1-related conditions. This variant results in the deletion of exon 35 and part of exon 34 (c.2449_*5637del) of the COL6A1 gene. While this deletion is not anticipated to lead to nonsense mediated decay, it is expected to alter mRNA translation or result in a truncated protein product.